The following is an entry in ClinVar:

ClinVar aggregate classification (germline): Uncertain significance (1 of 4 stars; one submission).

Conditions:
Wilson disease (WND). Also called: Wilson's disease. Identifiers: Orphanet 905, MedGen C0019202, MONDO:0010200, OMIM 277900. Disease mechanism: loss of function.

gnomAD v4.1: 1 of 1,614,154 alleles (0.000062%); highest among the groups gnomAD compares: African/African-American, 0.0013%; no homozygotes.

Submission:

All of Us Research Program, National Institutes of Health
Classification: Uncertain significance for Wilson disease. Last evaluated: 2024-09-23. Review status: criteria provided, single submitter. Criteria: ACMG Guidelines, 2015. Collection method: clinical testing. Allele origin: germline. Inheritance: Autosomal recessive inheritance. Observed: 1 variant allele, 1 heterozygote.
Comment: This missense variant replaces glutamine with glutamic acid at codon 1421 of the ATP7B protein. Computational prediction suggests that this variant may not impact protein structure and function (internally defined REVEL score threshold <= 0.5, PMID: 27666373). To our knowledge, functional studies have not been reported for this variant. This variant has not been reported in individuals affected with Wilson disease in the literature. This variant has been identified in 1/249072 chromosomes in the general population by the Genome Aggregation Database (gnomAD). The available evidence is insufficient to determine the role of this variant in disease conclusively. Therefore, this variant is classified as a Variant of Uncertain Significance.

This study involves interpretation of variants in research participants for the purpose of population health screening. Participant phenotype was not available at the time of variant classification. Additional details can be found in publication PMID: 35346344, PMCID: PMC8962531

NM_000053.4(ATP7B):c.4261C>G (p.Gln1421Glu)

Gene: ATP7B (ATPase copper transporting beta; minus strand). Cytogenetic location: 13q14.3.
Variant type: single nucleotide variant.
Coding change: c.4261C>G on transcript NM_000053.4 (MANE Select); coding-DNA position 4261, C replaced by G.
Protein change: p.Gln1421Glu; replaces glutamine 1421 with glutamic acid.
Molecular consequence: missense variant.
Genome position (GRCh38, 1-based): chr13:51,934,893, G>C on the plus strand (C>G on the coding strand, the complement: ATP7B is on the minus strand). VCF-style: chr13-51934893-G-C. GRCh37 (hg19) VCF-style: chr13-52509029-G-C.
Other names: c.3640C>G, p.Gln1214Glu (NM_001005918.3); c.3928C>G, p.Gln1310Glu (NM_001243182.2); c.4027C>G, p.Gln1343Glu (NM_001330578.2, NM_001406527.1, NM_001406528.1); c.4009C>G, p.Gln1337Glu (NM_001330579.2, NM_001406531.1, NM_001406532.1); c.4261C>G, p.Gln1421Glu (NM_001406511.1, NM_001406512.1); c.4255C>G, p.Gln1419Glu (NM_001406513.1); c.4084C>G, p.Gln1362Glu (NM_001406524.1); c.4066C>G, p.Gln1356Glu (NM_001406525.1); and 21 more; short protein forms Q1140E, Q1194E, Q1205E, Q1214E, Q1227E, Q1257E, Q1259E, Q1272E.
Identifiers: ClinVar variation 3387235 (VCV003387235.1).
Genomic context (GRCh38, chr13:51,934,893, plus strand): 5'-GCCGAGATGGCTTGTCGGACGTCAGGGAGGACAGCGACACCTGGCTGACATAGCTGACCT[G>C]GTCCCATGGTGTGGCCCTGGGGGAGTCCCGCCACCTGTCATCCATGCCTATGTGCACACT-3'
Protein context (NP_000044.2, residues 1411-1431): RDSPRATPWD[Gln1421Glu]VSYVSQVSLS